The following is an entry in ClinVar:

NM_000256.3(MYBPC3):c.619C>T (p.Leu207=)

Gene: MYBPC3 (myosin binding protein C3; minus strand). Cytogenetic location: 11p11.2.
Variant type: single nucleotide variant.
Coding change: c.619C>T on transcript NM_000256.3 (MANE Select); coding-DNA position 619, C replaced by T.
Protein change: p.Leu207=; no amino-acid change (leucine 207 retained).
Molecular consequence: synonymous variant.
Genome position (GRCh38, 1-based): chr11:47,349,809, G>A on the plus strand (C>T on the coding strand, the complement: MYBPC3 is on the minus strand). VCF-style: chr11-47349809-G-A. GRCh37 (hg19) VCF-style: chr11-47371360-G-A.
Identifiers: ClinVar variation 927586 (VCV000927586.8), dbSNP rs965921552, ClinGen allele CA221706623.

ClinVar aggregate classification (germline): Likely benign. Review status: criteria provided, multiple submitters, no conflicts (2 of 4 stars). 4 submissions from 4 submitters: Likely benign (4). Last evaluated 2025-07-15.

Conditions:
Cardiovascular phenotype. Identifiers: MedGen CN230736.
Cardiomyopathy (CMYO). Also called: Cardiomyopathies. Identifiers: Orphanet 167848, MedGen C0878544, MONDO:0004994, HP:0001638. Inheritance: Various modes of inheritance.
Hypertrophic cardiomyopathy. Also called: HYPERTROPHIC MYOCARDIOPATHY. Identifiers: Orphanet 217569, MedGen C0007194, MeSH D002312, MONDO:0005045, HP:0001639.

Allele frequency attached by ClinVar (database versions not stated): gnomAD 0.00001.
gnomAD v4.1: 1 of 1,610,136 alleles (0.000062%); highest among the groups gnomAD compares: Non-Finnish European, 0.000085%; no homozygotes.

Submissions (4):

Labcorp Genetics (formerly Invitae), Labcorp
Classification: Likely benign for Hypertrophic cardiomyopathy. Last evaluated: 2025-07-15. Review status: criteria provided, single submitter. Criteria: Invitae Variant Classification Sherloc (09022015). Collection method: clinical testing. Allele origin: germline.

All of Us Research Program, National Institutes of Health
Classification: Likely benign for Hypertrophic cardiomyopathy. Last evaluated: 2024-06-09. Review status: criteria provided, single submitter. Criteria: ACMG Guidelines, 2015. Collection method: clinical testing. Allele origin: germline. Inheritance: Autosomal dominant inheritance. Observed: 1 variant allele, 1 heterozygote.
Comment: This study involves interpretation of variants in research participants for the purpose of population health screening. Participant phenotype was not available at the time of variant classification. Additional details can be found in publication PMID: 35346344, PMCID: PMC8962531

Ambry Genetics
Classification: Likely benign for Cardiovascular phenotype. Last evaluated: 2022-06-06. Review status: criteria provided, single submitter. Criteria: Ambry Variant Classification Scheme 2023. Collection method: clinical testing. Allele origin: germline.

Color Diagnostics, LLC DBA Color Health
Classification: Likely benign for Cardiomyopathy. Last evaluated: 2018-11-30. Review status: criteria provided, single submitter. Criteria: ACMG Guidelines, 2015. Collection method: clinical testing. Allele origin: germline.